The following is an entry in ClinVar:

ClinVar aggregate classification (germline): Pathogenic/Likely pathogenic. Review status: criteria provided, multiple submitters, no conflicts (2 of 4 stars). 4 submissions from 4 submitters: Pathogenic (2); Likely pathogenic (2). Last evaluated 2022-07-30.

Conditions:
Sotos syndrome (SOTOS). Also called: Distinctive facial appearance, overgrowth in childhood, and learning disabilities or delayed development; CEREBRAL GIGANTISM; Sotos' syndrome; CHROMOSOME 5q35 DELETION SYNDROME; SOTOS SYNDROME 1. Identifiers: Orphanet 821, MedGen C0175695, MONDO:0019349, OMIM 117550.

Submissions (4):

Labcorp Genetics (formerly Invitae), Labcorp
Classification: Pathogenic. Last evaluated: 2022-07-30. Review status: criteria provided, single submitter. Criteria: Invitae Variant Classification Sherloc (09022015). Collection method: clinical testing. Allele origin: germline.
Comment: For these reasons, this variant has been classified as Pathogenic. Advanced modeling of protein sequence and biophysical properties (such as structural, functional, and spatial information, amino acid conservation, physicochemical variation, residue mobility, and thermodynamic stability) performed at Invitae indicates that this missense variant is expected to disrupt NSD1 protein function. ClinVar contains an entry for this variant (Variation ID: 159345). This missense change has been observed in individual(s) with Sotos syndrome (PMID: 26690673). In at least one individual the variant was observed to be de novo. This variant is not present in population databases (gnomAD no frequency). This sequence change replaces cysteine, which is neutral and slightly polar, with tyrosine, which is neutral and polar, at codon 1606 of the NSD1 protein (p.Cys1606Tyr).

Genome-Nilou Lab
Classification: Likely pathogenic for Sotos syndrome. Last evaluated: 2021-07-15. Review status: criteria provided, single submitter. Criteria: ACMG Guidelines, 2015. Collection method: clinical testing. Allele origin: germline. Affected: no.

Mendelics
Classification: Pathogenic for Sotos syndrome. Last evaluated: 2019-05-28. Review status: criteria provided, single submitter. Criteria: Mendelics Assertion Criteria 2017. Collection method: clinical testing. Allele origin: unknown.

Genetic Services Laboratory, University of Chicago
Classification: Likely pathogenic for Sotos syndrome 1. Last evaluated: 2013-02-08. Review status: criteria provided, single submitter. Criteria: ACMG Guidelines, 2007. Collection method: clinical testing. Allele origin: germline. Inheritance: Autosomal dominant inheritance. Affected: yes.

Literature cited by the submitters: PubMed 26690673 (cited by Labcorp Genetics (formerly Invitae), Labcorp).

NM_022455.5(NSD1):c.4817G>A (p.Cys1606Tyr)

Gene: NSD1 (nuclear receptor binding SET domain protein 1; plus strand). Cytogenetic location: 5q35.3.
Variant type: single nucleotide variant.
Coding change: c.4817G>A on transcript NM_022455.5 (MANE Select); coding-DNA position 4817, G replaced by A.
Protein change: p.Cys1606Tyr; replaces cysteine 1606 with tyrosine.
Molecular consequence: missense variant.
Genome position (GRCh38, 1-based): chr5:177,257,002, G>A. VCF-style: chr5-177257002-G-A. GRCh37 (hg19) VCF-style: chr5-176684003-G-A.
Other names: c.4055G>A, p.Cys1352Tyr (NM_001409307.1, NM_001409306.1); c.3944G>A, p.Cys1315Tyr (NM_001409308.1, NM_001409309.1, NM_172349.5 and 1 more transcripts); c.4817G>A, p.Cys1606Tyr (NM_001409301.1, NM_001409302.1, NM_001409303.1); c.4397G>A, p.Cys1466Tyr (NM_001409304.1); c.4064G>A, p.Cys1355Tyr (NM_001409305.1); short protein forms C1606Y, C1337Y, C1315Y, C1352Y, C1466Y, C1355Y.
Identifiers: ClinVar variation 159345 (VCV000159345.13), dbSNP rs587784127, ClinGen allele CA294906.